The following is an entry in ClinVar:

ClinVar aggregate classification (germline): Likely benign (1 of 4 stars; one submission).

Submissions (2):

GeneDx
Classification: Likely benign. Last evaluated: 2016-03-15. Review status: criteria provided, single submitter. Criteria: GeneDx Variant Classification (06012015). Collection method: clinical testing. Allele origin: germline. Affected: yes.
Comment: This variant is considered likely benign or benign based on one or more of the following criteria: it is a conservative change, it occurs at a poorly conserved position in the protein, it is predicted to be benign by multiple in silico algorithms, and/or has population frequency not consistent with disease.

Brotman Baty Institute, University of Washington
No classification provided (evidence only). Condition: Breast-ovarian cancer, familial 1. Review status: no classification provided. Collection method: in vitro. Allele origin: not applicable. Functional consequence: functionally_normal. Not counted in ClinVar's aggregate classification.
ClinVar note: "not provided" was previously submitted as the classification for the variant. However, the classification appeared to be based only on an observation of functional data so it was converted to no classification on 2025-07-30.

NM_007294.4(BRCA1):c.5406+15C>A

Gene: BRCA1 (BRCA1 DNA repair associated; minus strand). Cytogenetic location: 17q21.31.
Variant type: single nucleotide variant.
Coding change: c.5406+15C>A on transcript NM_007294.4 (MANE Select); 15 bases into the intron after coding-DNA position 5406, C replaced by A.
Molecular consequence: intron variant.
Genome position (GRCh38, 1-based): chr17:43,049,106, G>T on the plus strand (C>A on the coding strand, the complement: BRCA1 is on the minus strand). VCF-style: chr17-43049106-G-T. GRCh37 (hg19) VCF-style: chr17-41201123-G-T.
Other names: c.1953+15C>A (NM_001408458.1, NM_001408461.1, NM_001408464.1 and 7 more transcripts); c.4515+15C>A (NM_001407967.1); c.5025+15C>A (NM_001407959.1); c.5139+15C>A (NM_001407931.1, NM_001407932.1, NM_001407928.1 and 4 more transcripts); c.5262+15C>A (NM_001407747.1, NM_001407745.1, NM_001407737.1 and 18 more transcripts); c.5022+15C>A (NM_001407962.1, NM_001407960.1); c.1593+15C>A (NM_001408512.1); c.1716+15C>A (NM_001408510.1); and 84 more.
Identifiers: ClinVar variation 384807 (VCV000384807.4), dbSNP rs1057522056, ClinGen allele CA16607601.